The following is an entry in ClinVar:

ClinVar aggregate classification (germline): Pathogenic (1 of 4 stars; one submission).

Conditions:
Metachromatic leukodystrophy (MLD). Also called: ARSA DEFICIENCY; CEREBROSIDE SULFATASE DEFICIENCY; METACHROMATIC LEUKOENCEPHALOPATHY; SULFATIDE LIPIDOSIS; Cerebral sclerosis diffuse metachromatic form; Arylsulfatase A Deficiency. Identifiers: Orphanet 512, MedGen C0023522, MONDO:0018868, OMIM 250100.

Submission:

Labcorp Genetics (formerly Invitae), Labcorp
Classification: Pathogenic for Metachromatic leukodystrophy. Last evaluated: 2023-01-08. Review status: criteria provided, single submitter. Criteria: Invitae Variant Classification Sherloc (09022015). Collection method: clinical testing. Allele origin: germline.
Comment: For these reasons, this variant has been classified as Pathogenic. This variant has not been reported in the literature in individuals affected with ARSA-related conditions. This variant is not present in population databases (gnomAD no frequency). This sequence change creates a premature translational stop signal (p.Tyr118Alafs*31) in the ARSA gene. It is expected to result in an absent or disrupted protein product. Loss-of-function variants in ARSA are known to be pathogenic (PMID: 8962139, 10477432).

Literature cited by the submitters: PubMed 8962139; PubMed 10477432.

NM_000487.6(ARSA):c.349_350dup (p.Tyr118fs)

Gene: ARSA (arylsulfatase A; minus strand). Cytogenetic location: 22q13.33.
Variant type: Duplication.
Coding change: c.349_350dup on transcript NM_000487.6 (MANE Select); coding-DNA positions 349 to 350, 2 bases duplicated (GG; older notation c.349_350dupGG).
Protein change: p.Tyr118fs; shifts the reading frame from tyrosine 118.
Molecular consequence: frameshift variant.
Genome position (GRCh38, 1-based): chr22:50,627,281-50,627,282, CC duplicated on the plus strand (GG on the coding strand, the reverse complement: ARSA is on the minus strand). VCF-style (leftmost placement, unchanged base first): chr22-50627280-G-GCC. GRCh37 (hg19) VCF-style: chr22-51065708-G-GCC.
Other names: c.349_350dup, p.Tyr118fs (NM_001085425.3, NM_001085426.3, NM_001085427.3); c.91_92dup, p.Tyr32fs (NM_001085428.3, NM_001362782.2); short protein forms Y118fs, Y32fs.
Identifiers: ClinVar variation 2827046 (VCV002827046.3), dbSNP rs2518334049, ClinGen allele CA2739268050.